The following is an entry in ClinVar:

ClinVar aggregate classification (germline): Pathogenic. Review status: criteria provided, multiple submitters, no conflicts (2 of 4 stars). 6 submissions from 6 submitters: Pathogenic (6). Last evaluated 2026-07-09.

Conditions:
Retinitis pigmentosa (RP). Identifiers: Orphanet 791, MedGen C0035334, MeSH D012174, MONDO:0019200, OMIM 268000. Inheritance: Autosomal dominant, autosomal recessive and X linked inheritance.
Stargardt disease (FFM). Also called: Stargardt's disease; Fundus flavimaculatus. Identifiers: Orphanet 827, MedGen C0271093, MONDO:0019353.
Inborn genetic diseases. Identifiers: MedGen C0950123, MeSH D030342.
ABCA4-related disorder. Also called: ABCA4-related condition; ABCA4-related disorders. Identifiers: MedGen CN239167.

Allele frequency attached by ClinVar (database versions not stated): TOPMed 0.00001; gnomAD exomes below 0.00001.
gnomAD v4.1: 2 of 1,614,072 alleles (0.00012%); highest among the groups gnomAD compares: Non-Finnish European, 0.00017%; no homozygotes.

Submissions (6):

Ambry Genetics
Classification: Pathogenic for Inborn genetic diseases. Last evaluated: 2026-07-09. Review status: criteria provided, single submitter. Criteria: Ambry Variant Classification Scheme 2023. Collection method: clinical testing. Allele origin: germline.
Comment: The c.5898+1G>A intronic variant consists of a G to A substitution one nucleotide after coding exon 42 of the ABCA4 gene. Variants that disrupt the canonical splice site are expected to result in aberrant splicing. A resulting transcript is predicted to be in-frame and is not expected to trigger nonsense-mediated mRNA decay, although direct evidence is unavailable. However, the region predicted to be impacted is critical for protein function (Ambry internal data). This variant was not reported in population-based cohorts in the Genome Aggregation Database (gnomAD). This variant has been identified in the homozygous state and/or in conjunction with other ABCA4 variant(s) in individual(s) with features consistent with ABCA4-related retinal dystrophy; in at least one instance, the variants were identified in trans (Huckfeldt, 2016). This variant is also known as IVS42+1 G>A. In silico splice site analysis predicts that this alteration will weaken the native splice donor site. Based on the available evidence, this alteration is classified as pathogenic.

Labcorp Genetics (formerly Invitae), Labcorp
Classification: Pathogenic. Last evaluated: 2025-12-26. Review status: criteria provided, single submitter. Criteria: Invitae Variant Classification Sherloc (09022015). Collection method: clinical testing. Allele origin: germline.
Comment: This sequence change affects a donor splice site in intron 42 of the ABCA4 gene. It is expected to disrupt RNA splicing. Variants that disrupt the donor or acceptor splice site typically lead to a loss of protein function (PMID: 16199547), and loss-of-function variants in ABCA4 are known to be pathogenic (PMID: 10958761, 24938718, 25312043, 26780318). This variant is not present in population databases (gnomAD no frequency). Disruption of this splice site has been observed in individual(s) with Stargardt disease (PMID: 11379881, 27030965). In at least one individual the data is consistent with being in trans (on the opposite chromosome) from a pathogenic variant. This variant is also known as IVS42+1 G>A. ClinVar contains an entry for this variant (Variation ID: 377408). Algorithms developed to predict the effect of sequence changes on RNA splicing suggest that this variant may disrupt the consensus splice site. For these reasons, this variant has been classified as Pathogenic.

Women's Health and Genetics/Laboratory Corporation of America, LabCorp
Classification: Pathogenic for Stargardt disease. Last evaluated: 2024-11-21. Review status: criteria provided, single submitter. Criteria: LabCorp Variant Classification Summary - May 2015. Collection method: clinical testing. Allele origin: germline.
Comment: Variant summary: ABCA4 c.5898+1G>A is located in a canonical splice-site and is predicted to affect mRNA splicing resulting in a significantly altered protein due to either exon skipping, shortening, or inclusion of intronic material. Variants that disrupt the consensus splice site are a relatively common cause of aberrant splicing and loss of ABCA4 function. Several computational tools predict a significant impact on normal splicing: Four predict the variant abolishes a canonical 5' splicing donor site. The variant was absent in 251422 control chromosomes (gnomAD). c.5898+1G>A has been reported in the literature in individuals affected with Stargardt Disease (e.g. Yatsenko_2001, Huckfeldt_2016). These data indicate that the variant is likely to be associated with disease. The following publications have been ascertained in the context of this evaluation (PMID: 11379881, 27030965). ClinVar contains an entry for this variant (Variation ID: 377408). Based on the evidence outlined above, the variant was classified as pathogenic.

GeneDx
Classification: Pathogenic. Last evaluated: 2023-12-29. Review status: criteria provided, single submitter. Criteria: GeneDx Variant Classification Process June 2021. Collection method: clinical testing. Allele origin: germline. Affected: yes.
Comment: Canonical splice site variant predicted to result in an in-frame loss of the adjacent exon in a gene for which loss of function is a known mechanism of disease; Not observed at significant frequency in large population cohorts (gnomAD); This variant is associated with the following publications: (PMID: 25525159, 27030965, 20398653, 25139735, 25082885, 24677105, 11379881, 34906470, 33301772, 25283059, 29925512)

Blueprint Genetics
Classification: Pathogenic for ABCA4-related disorders. Last evaluated: 2022-06-13. Review status: criteria provided, single submitter. Criteria: ACMG Guidelines, 2015. Collection method: clinical testing. Allele origin: germline. Affected: yes. Observed: 5 variant alleles.

Broad Center for Mendelian Genomics, Broad Institute of MIT and Harvard
Classification: Pathogenic for Retinitis pigmentosa. Last evaluated: 2021-04-01. Review status: criteria provided, single submitter. Criteria: ACMG Guidelines, 2015. Collection method: curation. Allele origin: germline. Inheritance: Autosomal recessive inheritance. Affected: yes.
Comment: Through a review of available evidence we were able to apply the following criteria: PVS1, PM2, PM3. Based on this evidence we have classified this variant as Pathogenic. If you have any questions about the classification please reach out to the Pierce Lab.

Literature cited by the submitters: PubMed 27030965 (cited by 4 submitters); PubMed 16199547 (cited by Labcorp Genetics (formerly Invitae), Labcorp); PubMed 10958761 (cited by Labcorp Genetics (formerly Invitae), Labcorp and Broad Center for Mendelian Genomics, Broad Institute of MIT and Harvard); PubMed 24938718 (cited by Labcorp Genetics (formerly Invitae), Labcorp and Broad Center for Mendelian Genomics, Broad Institute of MIT and Harvard); PubMed 25312043 (cited by Labcorp Genetics (formerly Invitae), Labcorp and Broad Center for Mendelian Genomics, Broad Institute of MIT and Harvard); PubMed 26780318 (cited by Labcorp Genetics (formerly Invitae), Labcorp and Broad Center for Mendelian Genomics, Broad Institute of MIT and Harvard); PubMed 11379881 (cited by 3 submitters); PubMed 34906470 (cited by Broad Center for Mendelian Genomics, Broad Institute of MIT and Harvard).

NM_000350.3(ABCA4):c.5898+1G>A

Gene: ABCA4 (ATP binding cassette subfamily A member 4; minus strand). Cytogenetic location: 1p22.1.
Variant type: single nucleotide variant.
Coding change: c.5898+1G>A on transcript NM_000350.3 (MANE Select); the canonical splice donor site of the intron after coding-DNA position 5898, G replaced by A.
Molecular consequence: splice donor variant.
Genome position (GRCh38, 1-based): chr1:94,008,234, C>T on the plus strand (G>A on the coding strand, the complement: ABCA4 is on the minus strand). VCF-style: chr1-94008234-C-T. GRCh37 (hg19) VCF-style: chr1-94473790-C-T.
Identifiers: ClinVar variation 377408 (VCV000377408.17), dbSNP rs61750638, ClinGen allele CA16603700.